The following is an entry in ClinVar:

NM_004260.4(RECQL4):c.1954G>A (p.Val652Met)

Gene: RECQL4 (RecQ like helicase 4; minus strand). Cytogenetic location: 8q24.3.
Variant type: single nucleotide variant.
Coding change: c.1954G>A on transcript NM_004260.4 (MANE Select); coding-DNA position 1954, G replaced by A.
Protein change: p.Val652Met; replaces valine 652 with methionine.
Molecular consequence: missense variant.
Genome position (GRCh38, 1-based): chr8:144,514,032, C>T on the plus strand (G>A on the coding strand, the complement: RECQL4 is on the minus strand). VCF-style: chr8-144514032-C-T. GRCh37 (hg19) VCF-style: chr8-145739416-C-T.
Other names: p.Val652Met; short protein forms V652M.
Identifiers: ClinVar variation 193964 (VCV000193964.64), dbSNP rs61754061, ClinGen allele CA200884.

ClinVar aggregate classification (germline): Conflicting classifications of pathogenicity. Review status: criteria provided, conflicting classifications (1 of 4 stars). 17 submissions from 16 submitters: Uncertain significance (2); Benign (7); Likely benign (4). 4 of the submissions do not count toward it. Last evaluated 2026-09-01.

Conditions:
RECQL4-related disorder. Also called: RECQL4-related condition; RECQL4-related disorders.
Rothmund-Thomson syndrome type 2 (RTS2). Identifiers: Orphanet 221016, MedGen C5203410, MONDO:0016369, OMIM 268400.
Hereditary cancer-predisposing syndrome. Also called: Hereditary neoplastic syndrome; Tumor predisposition; Neoplastic Syndromes, Hereditary; Hereditary Cancer Syndrome. Identifiers: Orphanet 140162, MedGen C0027672, MeSH D009386, MONDO:0015356.
Rapadilino syndrome. Identifiers: Orphanet 3021, MedGen C1849453, MONDO:0009955, OMIM 266280.
Baller-Gerold syndrome (BGS). Also called: CRANIOSYNOSTOSIS WITH RADIAL DEFECTS. Identifiers: Orphanet 1225, MedGen C0265308, MONDO:0009039, OMIM 218600.

Allele frequency attached by ClinVar (database versions not stated): 1000 Genomes Project 0.00040; 1000 Genomes Project 30x 0.00109; gnomAD exomes 0.00243 and 0.00441; gnomAD 0.00272 and 0.00285; TOPMed 0.00276; ESP Exome Variant Server 0.00364; ExAC 0.00541.
gnomAD v4.1: 6,584 of 1,575,652 alleles (0.42%); highest among the groups gnomAD compares: Non-Finnish European, 0.53%; 13 homozygotes.

Submissions (17):

CeGaT Center for Human Genetics Tuebingen
Classification: Likely benign. Last evaluated: 2026-09-01. Review status: criteria provided, single submitter. Criteria: CeGaT Center For Human Genetics Tuebingen Variant Classification Criteria Version 2. Collection method: clinical testing. Allele origin: germline. Affected: yes. Observed: 48 variant alleles.
Comment: RECQL4: BS2

Labcorp Genetics (formerly Invitae), Labcorp
Classification: Benign for Baller-Gerold syndrome. Last evaluated: 2026-02-03. Review status: criteria provided, single submitter. Criteria: Invitae Variant Classification Sherloc (09022015). Collection method: clinical testing. Allele origin: germline.

Dasa
Classification: Likely benign. Last evaluated: 2026-01-19. Review status: criteria provided, single submitter. Criteria: DASA Assertion Criteria. Collection method: clinical testing. Allele origin: germline.
Comment: NM_004260.4(RECQL4):c.1954G>A (p.Val652Met) is a missense variant that results in the substitution of valine with methionine. Population frequency is inconsistent with a disease-causing role for this variant, and observations in unaffected individuals support a benign interpretation. Therefore, based on the currently available evidence, this variant is classified as likely benign.

KCCC/NGS Laboratory, Kuwait Cancer Control Center
Classification: Benign for Rapadilino syndrome. Last evaluated: 2025-02-01. Review status: criteria provided, single submitter. Criteria: ACMG Guidelines, 2015. Collection method: clinical testing. Allele origin: germline. Affected: no.

Blueprint Genetics
Classification: Likely benign. Last evaluated: 2024-11-26. Review status: criteria provided, single submitter. Criteria: ACMG Guidelines, 2015. Collection method: clinical testing. Allele origin: germline.

KCCC/NGS Laboratory, Kuwait Cancer Control Center
Classification: Benign for Rothmund-Thomson syndrome type 2. Last evaluated: 2023-07-07. Review status: criteria provided, single submitter. Criteria: ACMG Guidelines, 2015. Collection method: clinical testing. Allele origin: germline. Affected: yes.

Mayo Clinic Laboratories, Mayo Clinic
Classification: Uncertain significance. Last evaluated: 2022-12-09. Review status: criteria provided, single submitter. Criteria: ACMG Guidelines, 2015. Collection method: clinical testing. Allele origin: germline. Observed: 3 variant alleles.

Institute for Clinical Genetics, University Hospital TU Dresden, University Hospital TU Dresden
Classification: Uncertain significance. Last evaluated: 2021-11-03. Review status: criteria provided, single submitter. Criteria: ACMG Guidelines, 2015. Collection method: clinical testing. Allele origin: germline.

Sema4
Classification: Benign for Hereditary cancer-predisposing syndrome. Last evaluated: 2020-10-22. Review status: criteria provided, single submitter. Criteria: Sema4 Curation Guidelines. Collection method: curation. Allele origin: germline.

GeneDx
Classification: Benign. Last evaluated: 2019-07-19. Review status: criteria provided, single submitter. Criteria: GeneDx Variant Classification Process June 2021. Collection method: clinical testing. Allele origin: germline. Affected: yes.

Mendelics
Classification: Likely benign for Baller-Gerold syndrome. Last evaluated: 2019-05-28. Review status: criteria provided, single submitter. Criteria: Mendelics Assertion Criteria 2017. Collection method: clinical testing. Allele origin: unknown.

Genetic Services Laboratory, University of Chicago
Classification: Benign. Last evaluated: 2017-08-08. Review status: criteria provided, single submitter. Criteria: ACMG Guidelines, 2015. Collection method: clinical testing. Allele origin: germline. Affected: no.

Eurofins Ntd Llc (ga)
Classification: Benign. Last evaluated: 2015-01-26. Review status: criteria provided, single submitter. Criteria: EGL Classification Definitions 2015. Collection method: clinical testing. Allele origin: germline. Observed: 2 variant alleles, 2 heterozygotes.

PreventionGenetics, part of Exact Sciences
Classification: Likely benign for RECQL4-related condition. Last evaluated: 2023-11-20. Review status: no assertion criteria provided. Collection method: clinical testing. Allele origin: germline. Not counted in ClinVar's aggregate classification.
Comment: This variant is classified as likely benign based on ACMG/AMP sequence variant interpretation guidelines (Richards et al. 2015 PMID: 25741868, with internal and published modifications).

Clinical Genetics DNA and cytogenetics Diagnostics Lab, Erasmus MC, Erasmus Medical Center
Classification: Likely benign. Review status: no assertion criteria provided. Collection method: clinical testing. Allele origin: germline. Affected: yes. Study: VKGL Data-share Consensus. Not counted in ClinVar's aggregate classification.

Genome Diagnostics Laboratory, Amsterdam University Medical Center
Classification: Likely benign. Review status: no assertion criteria provided. Collection method: clinical testing. Allele origin: germline. Affected: yes. Study: VKGL Data-share Consensus. Not counted in ClinVar's aggregate classification.

Laboratory of Diagnostic Genome Analysis, Leiden University Medical Center (LUMC)
Classification: Likely benign. Review status: no assertion criteria provided. Collection method: clinical testing. Allele origin: germline. Affected: yes. Study: VKGL Data-share Consensus. Not counted in ClinVar's aggregate classification.